The following is an entry in ClinVar:

NM_032223.4(PCNX3):c.2496G>A (p.Gln832=)

Gene: PCNX3 (pecanex 3; plus strand). Cytogenetic location: 11q13.1.
Variant type: single nucleotide variant.
Coding change: c.2496G>A on transcript NM_032223.4 (MANE Select); coding-DNA position 2496, G replaced by A.
Protein change: p.Gln832=; no amino-acid change (glutamine 832 retained).
Molecular consequence: synonymous variant.
Genome position (GRCh38, 1-based): chr11:65,623,629, G>A. VCF-style: chr11-65623629-G-A. GRCh37 (hg19) VCF-style: chr11-65391100-G-A.
Identifiers: ClinVar variation 2641965 (VCV002641965.24), dbSNP rs61741575, ClinGen allele CA6104616.
Genomic context (GRCh38, chr11:65,623,629, plus strand): 5'-CAAGGGCTTCTTCACTGACATCTGGGTCTTCCAGTTCTGCCTGGTCATCGCCTCCTGCCA[G>A]TACTCCTTGCTGAAGGTCAGGCCGGGCTCTCTGTGTTTCCTTCCCCACCCGACTTTTCCC-3'
Protein context (NP_115599.2, residues 822-842): FQFCLVIASC[Gln832=]YSLLKSVQPD

ClinVar aggregate classification (germline): Likely benign (1 of 4 stars; one submission).

Allele frequency attached by ClinVar (database versions not stated): 1000 Genomes Project 30x 0.00125; 1000 Genomes Project 0.00140; gnomAD 0.00265; TOPMed 0.00270; ExAC 0.00278; ESP Exome Variant Server 0.00335; gnomAD exomes 0.00420.
gnomAD v4.1: 6,457 of 1,613,386 alleles (0.4%); highest among the groups gnomAD compares: Non-Finnish European, 0.51%; 14 homozygotes.

Submission:

CeGaT Center for Human Genetics Tuebingen
Classification: Likely benign. Last evaluated: 2023-01-01. Review status: criteria provided, single submitter. Criteria: CeGaT Center For Human Genetics Tuebingen Variant Classification Criteria Version 2. Collection method: clinical testing. Allele origin: germline. Affected: yes. Observed: 2 variant alleles.
Comment: PCNX3: BP4, BP7